The following is an entry in ClinVar:

NM_022829.6(SLC13A3):c.144G>A (p.Met48Ile)

Gene: SLC13A3 (solute carrier family 13 member 3; minus strand). Cytogenetic location: 20q13.12.
Variant type: single nucleotide variant.
Coding change: c.144G>A on transcript NM_022829.6 (MANE Select); coding-DNA position 144, G replaced by A.
Protein change: p.Met48Ile; replaces methionine 48 with isoleucine.
Molecular consequence: missense variant. On other transcripts: initiator codon variant (2), intron variant (1).
Genome position (GRCh38, 1-based): chr20:46,613,693, C>T on the plus strand (G>A on the coding strand, the complement: SLC13A3 is on the minus strand). VCF-style: chr20-46613693-C-T. GRCh37 (hg19) VCF-style: chr20-45242332-C-T.
Other names: c.3G>A, p.Met1Ile (NM_001011554.3, NM_001193340.2); c.144G>A, p.Met48Ile (NM_001193339.2); c.-10-141G>A (NM_001193342.2); c.144G>A (NM_022829.5); short protein forms M1I, M48I.
Identifiers: ClinVar variation 2193298 (VCV002193298.5), dbSNP rs559408530, ClinGen allele CA9891709.

ClinVar aggregate classification (germline): Uncertain significance. Review status: criteria provided, multiple submitters, no conflicts (2 of 4 stars). 2 submissions from 2 submitters: Uncertain significance (2). Last evaluated 2024-02-21.

Allele frequency attached by ClinVar (database versions not stated): gnomAD 0.00005; 1000 Genomes Project 30x 0.00031; 1000 Genomes Project 0.00040.
gnomAD v4.1: 149 of 1,607,270 alleles (0.0093%); highest among the groups gnomAD compares: South Asian, 0.12%; no homozygotes.

Submissions (2):

Ambry Genetics
Classification: Uncertain significance. Last evaluated: 2024-02-21. Review status: criteria provided, single submitter. Criteria: Ambry Variant Classification Scheme 2023. Collection method: clinical testing. Allele origin: germline.

Labcorp Genetics (formerly Invitae), Labcorp
Classification: Uncertain significance. Last evaluated: 2022-09-17. Review status: criteria provided, single submitter. Criteria: Invitae Variant Classification Sherloc (09022015). Collection method: clinical testing. Allele origin: germline.
Comment: In summary, the available evidence is currently insufficient to determine the role of this variant in disease. Therefore, it has been classified as a Variant of Uncertain Significance. Advanced modeling of protein sequence and biophysical properties (such as structural, functional, and spatial information, amino acid conservation, physicochemical variation, residue mobility, and thermodynamic stability) performed at Invitae indicates that this missense variant is not expected to disrupt SLC13A3 protein function. This variant has not been reported in the literature in individuals affected with SLC13A3-related conditions. This variant is present in population databases (rs559408530, gnomAD 0.1%), and has an allele count higher than expected for a pathogenic variant. This sequence change replaces methionine, which is neutral and non-polar, with isoleucine, which is neutral and non-polar, at codon 48 of the SLC13A3 protein (p.Met48Ile).